The following is an entry in ClinVar:

NM_001099274.3(TINF2):c.436G>A (p.Ala146Thr)

Gene: TINF2 (TERF1 interacting nuclear factor 2; minus strand). Cytogenetic location: 14q12.
Variant type: single nucleotide variant.
Coding change: c.436G>A on transcript NM_001099274.3 (MANE Select); coding-DNA position 436, G replaced by A.
Protein change: p.Ala146Thr; replaces alanine 146 with threonine.
Molecular consequence: missense variant.
Genome position (GRCh38, 1-based): chr14:24,241,275, C>T on the plus strand (G>A on the coding strand, the complement: TINF2 is on the minus strand). VCF-style: chr14-24241275-C-T. GRCh37 (hg19) VCF-style: chr14-24710481-C-T.
Other names: c.331G>A, p.Ala111Thr (NM_001363668.2); c.436G>A, p.Ala146Thr (NM_012461.3); short protein forms A111T, A146T.
Identifiers: ClinVar variation 3654086 (VCV003654086.2).

ClinVar aggregate classification (germline): Uncertain significance (1 of 4 stars; one submission).

Conditions:
Dyskeratosis congenita. Identifiers: Orphanet 1775, MedGen C0265965, MONDO:0015780.

gnomAD v4.1: 7 of 1,614,172 alleles (0.00043%); highest among the groups gnomAD compares: Non-Finnish European, 0.00059%; no homozygotes.

Submission:

Labcorp Genetics (formerly Invitae), Labcorp
Classification: Uncertain significance for Dyskeratosis congenita. Last evaluated: 2024-10-07. Review status: criteria provided, single submitter. Criteria: Invitae Variant Classification Sherloc (09022015). Collection method: clinical testing. Allele origin: germline.
Comment: This sequence change replaces alanine, which is neutral and non-polar, with threonine, which is neutral and polar, at codon 146 of the TINF2 protein (p.Ala146Thr). This variant is present in population databases (no rsID available, gnomAD 0.0009%). This variant has not been reported in the literature in individuals affected with TINF2-related conditions. An algorithm developed to predict the effect of missense changes on protein structure and function (PolyPhen-2) suggests that this variant is likely to be disruptive. In summary, the available evidence is currently insufficient to determine the role of this variant in disease. Therefore, it has been classified as a Variant of Uncertain Significance.